The following is an entry in ClinVar:

ClinVar aggregate classification (germline): Uncertain significance. Review status: criteria provided, multiple submitters, no conflicts (2 of 4 stars). 4 submissions from 4 submitters: Uncertain significance (4). Last evaluated 2025-03-22.

Conditions:
Inborn genetic diseases. Identifiers: MedGen C0950123, MeSH D030342.
Woodhouse-Sakati syndrome. Also called: Hypogonadism, diabetes mellitus, alopecia, mental retardation and electrocardiographic abnormalities; Hypogonadism, Alopecia, Diabetes Mellitus, Mental Retardation, and Extrapyramidal Syndrome; EXTRAPYRAMIDAL DISORDER, PROGRESSIVE, WITH PRIMARY HYPOGONADISM, MENTAL RETARDATION, AND ALOPECIA. Identifiers: Orphanet 3464, MedGen C0342286, MONDO:0009419, OMIM 241080.

Allele frequency attached by ClinVar (database versions not stated): ExAC 0.00007; ESP Exome Variant Server 0.00008; gnomAD 0.00009; gnomAD exomes 0.00009 and 0.00018; TOPMed 0.00010; 1000 Genomes Project 30x 0.00031; 1000 Genomes Project 0.00040.
gnomAD v4.1: 271 of 1,613,758 alleles (0.017%); highest among the groups gnomAD compares: Non-Finnish European, 0.022%; no homozygotes.

Submissions (4):

Ambry Genetics
Classification: Uncertain significance for Inborn genetic diseases. Last evaluated: 2025-03-22. Review status: criteria provided, single submitter. Criteria: Ambry Variant Classification Scheme 2023. Collection method: clinical testing. Allele origin: germline.

Labcorp Genetics (formerly Invitae), Labcorp
Classification: Uncertain significance for Woodhouse-Sakati syndrome. Last evaluated: 2024-12-09. Review status: criteria provided, single submitter. Criteria: Invitae Variant Classification Sherloc (09022015). Collection method: clinical testing. Allele origin: germline.
Comment: This sequence change replaces valine, which is neutral and non-polar, with isoleucine, which is neutral and non-polar, at codon 439 of the DCAF17 protein (p.Val439Ile). This variant is present in population databases (rs147068576, gnomAD 0.02%). This variant has not been reported in the literature in individuals affected with DCAF17-related conditions. ClinVar contains an entry for this variant (Variation ID: 1431735). Invitae Evidence Modeling of protein sequence and biophysical properties (such as structural, functional, and spatial information, amino acid conservation, physicochemical variation, residue mobility, and thermodynamic stability) has been performed for this missense variant. However, the output from this modeling did not meet the statistical confidence thresholds required to predict the impact of this variant on DCAF17 protein function. In summary, the available evidence is currently insufficient to determine the role of this variant in disease. Therefore, it has been classified as a Variant of Uncertain Significance.

Blueprint Genetics
Classification: Uncertain significance. Last evaluated: 2023-12-29. Review status: criteria provided, single submitter. Criteria: ACMG Guidelines, 2015. Collection method: clinical testing. Allele origin: germline.

GeneDx
Classification: Uncertain significance. Last evaluated: 2022-06-27. Review status: criteria provided, single submitter. Criteria: GeneDx Variant Classification Process June 2021. Collection method: clinical testing. Allele origin: germline. Affected: yes.
Comment: In silico analysis supports that this missense variant does not alter protein structure/function; Has not been previously published as pathogenic or benign to our knowledge

NM_025000.4(DCAF17):c.1315G>A (p.Val439Ile)

Gene: DCAF17 (DDB1 and CUL4 associated factor 17; plus strand). Cytogenetic location: 2q31.1.
Variant type: single nucleotide variant.
Coding change: c.1315G>A on transcript NM_025000.4 (MANE Select); coding-DNA position 1315, G replaced by A.
Protein change: p.Val439Ile; replaces valine 439 with isoleucine.
Molecular consequence: missense variant. On other transcripts: non-coding transcript variant (1).
Genome position (GRCh38, 1-based): chr2:171,480,086, G>A. VCF-style: chr2-171480086-G-A. GRCh37 (hg19) VCF-style: chr2-172336596-G-A.
Other names: c.1114G>A, p.Val372Ile (NM_001164821.2); short protein forms V439I, V372I.
Identifiers: ClinVar variation 1431735 (VCV001431735.10), dbSNP rs147068576, ClinGen allele CA1964956.